The following is an entry in ClinVar:

ClinVar aggregate classification (germline): Pathogenic/Likely pathogenic. Review status: criteria provided, multiple submitters, no conflicts (2 of 4 stars). 2 submissions from 2 submitters: Pathogenic (1); Likely pathogenic (1). Last evaluated 2020-04-30.

Conditions:
Maturity-onset diabetes of the young (MODY). Also called: Maturity onset diabetes mellitus in young. Identifiers: Orphanet 552, MedGen C0342276, MONDO:0018911, HP:0004904.

Submissions (2):

Athena Diagnostics
Classification: Pathogenic. Last evaluated: 2020-04-30. Review status: criteria provided, single submitter. Criteria: Athena Diagnostics Criteria. Collection method: clinical testing. Allele origin: unknown.
Comment: The variant results in a shift of the reading frame, and is therefore predicted to result in the loss of a functional protein. Found in at least one patient with expected phenotype for this gene, and not found in general population data.

Clinical Genomics, Uppaluri K&H Personalized Medicine Clinic
Classification: Likely pathogenic for Maturity-onset diabetes of the young. Review status: criteria provided, single submitter. Criteria: K & H Uppaluri Personalized Medicine Clinic Variant Classification & Assertion Criteria_Updated V.1. Collection method: research. Allele origin: unknown. Inheritance: Autosomal dominant inheritance.
Comment: Potent mutations in HNF4A are associated with poor insulin secretion in response to hyperglycemia. Associated with MODY1. Patients initially respond well to sulfonylureas but eventually become insulin dependent. However, more evidence is required to ascertain the role of this particular variant rs2063787705 in MODY, yet.

Literature cited by the submitters: DOI 10.1159/000334532 (cited by Clinical Genomics, Uppaluri K&H Personalized Medicine Clinic); PubMed 18268044 (cited by Clinical Genomics, Uppaluri K&H Personalized Medicine Clinic); PubMed 17563455 (cited by Clinical Genomics, Uppaluri K&H Personalized Medicine Clinic); PubMed 32583173 (cited by Clinical Genomics, Uppaluri K&H Personalized Medicine Clinic); PubMed 35052457 (cited by Clinical Genomics, Uppaluri K&H Personalized Medicine Clinic); PubMed 35118593 (cited by Clinical Genomics, Uppaluri K&H Personalized Medicine Clinic).

NM_175914.5(HNF4A):c.1052_1053dup (p.Leu352fs)

Gene: HNF4A (hepatocyte nuclear factor 4 alpha; plus strand). Cytogenetic location: 20q13.12.
Variant type: Duplication.
Coding change: c.1052_1053dup on transcript NM_175914.5 (MANE Select); coding-DNA positions 1052 to 1053, 2 bases duplicated (TG; older notation c.1052_1053dupTG).
Protein change: p.Leu352fs; shifts the reading frame from leucine 352.
Molecular consequence: frameshift variant.
Genome position (GRCh38, 1-based): chr20:44,424,243-44,424,244, TG duplicated. VCF-style (leftmost placement, unchanged base first): chr20-44424242-A-ATG. GRCh37 (hg19) VCF-style: chr20-43052882-A-ATG.
Other names: c.1043_1044dup, p.Leu349fs (NM_001287184.2, NM_001287182.2, NM_001287183.2); c.1118_1119dup, p.Leu374fs (NM_178849.3, NM_178850.3, NM_000457.6); c.1052_1053dup, p.Leu352fs (NM_001030003.3, NM_001030004.3); c.1097_1098dup, p.Leu367fs (NM_001258355.2); short protein forms L349fs, L352fs, L367fs, L374fs.
Identifiers: ClinVar variation 994897 (VCV000994897.2), dbSNP rs2063787705, ClinGen allele CA1139666699.